The following is an entry in ClinVar:

ClinVar aggregate classification (germline): Likely pathogenic. Review status: criteria provided, single submitter (1 of 4 stars). 2 submissions from 2 submitters: Likely pathogenic (1). 1 of the submissions does not count toward it. Last evaluated 2024-06-07.

Conditions:
Mucopolysaccharidosis, MPS-II (MPS2). Also called: IDS deficiency; Sulfoiduronate sulfatase deficiency; SIDS deficiency; Mucopolysaccharidosis type 2; Mucopolysaccharidosis Type II; Attenuated MPS (subtype; formerly known as mild MPS II). Identifiers: Orphanet 580, Orphanet 79388, MedGen C0026705, MONDO:0010674, OMIM 309900.

Submissions (2):

Laboratory of Diagnosis and Therapy of Lysosomal Disorders, University of Padova
Classification: Likely pathogenic for Mucopolysaccharidosis, MPS-II. Last evaluated: 2024-06-07. Review status: criteria provided, single submitter. Criteria: ACMG Guidelines, 2015. Collection method: literature only. Allele origin: germline. Affected: yes. Observed: 1 variant allele.
Comment: Absent from controls (or at low frequency) in gnomAD database (PM2_Moderate), Missense variant in a gene with a low rate of benign missense variation (PP2_Supporting), Multiple lines of computational evidence support a deleterious effect (PP3_Supporting), Patient’s phenotype or family history highly specific for the disease (PP4_Strong)

Classification method: ACMG Guidelines [PMID:25741868] with modifications

Laboratory of Inherited Metabolic Diseases, Research centre for medical genetics
Classification: Pathogenic for Mucopolysaccharidosis, type II; MPS2. Review status: no assertion criteria provided. Collection method: research. Allele origin: germline. Affected: yes. Not counted in ClinVar's aggregate classification.

Literature cited by the submitters: PubMed 33676511 (cited by Laboratory of Diagnosis and Therapy of Lysosomal Disorders, University of Padova).

NM_000202.8(IDS):c.1034G>C (p.Trp345Ser)

Genes: IDS (iduronate 2-sulfatase; minus strand), LOC106050102 (IDS recombination region; plus strand). Cytogenetic location: Xq28.
Variant type: single nucleotide variant.
Coding change: c.1034G>C on transcript NM_000202.8 (MANE Select); coding-DNA position 1034, G replaced by C.
Protein change: p.Trp345Ser; replaces tryptophan 345 with serine.
Molecular consequence: missense variant.
Genome position (GRCh38, 1-based): chrX:149,487,071, C>G on the plus strand (G>C on the coding strand, the complement: IDS is on the minus strand). VCF-style: chrX-149487071-C-G. GRCh37 (hg19) VCF-style: chrX-148568602-C-G.
Other names: c.764G>C, p.Trp255Ser (NM_001166550.4); short protein forms W255S, W345S.
Identifiers: ClinVar variation 988690 (VCV000988690.3), dbSNP rs2089342988, ClinGen allele CA414518982.
Genomic context (GRCh38, chrX:149,487,071, plus strand): 5'-CCAGGAACATAGAATATCAGGGGAACATGGGTAGCAACATCAAAATTGCTGTATTTGGCC[C>G]ATTCTCCATGTTCACCTAGAGCCCACCCTAGTTCATAAAAAGCACAGAATGACAGAAAAT-3'
Protein context (NP_000193.1, residues 335-355): HGWALGEHGE[Trp345Ser]AKYSNFDVAT